The following is an entry in ClinVar:

ClinVar aggregate classification (germline): Uncertain significance (1 of 4 stars; one submission).

Submission:

Labcorp Genetics (formerly Invitae), Labcorp
Classification: Uncertain significance. Last evaluated: 2025-08-29. Review status: criteria provided, single submitter. Criteria: Invitae Variant Classification Sherloc (09022015). Collection method: clinical testing. Allele origin: germline.
Comment: This sequence change replaces glutamic acid, which is acidic and polar, with lysine, which is basic and polar, at codon 183 of the ARHGAP31 protein (p.Glu183Lys). This variant is not present in population databases (gnomAD no frequency). This variant has not been reported in the literature in individuals affected with ARHGAP31-related conditions. An algorithm developed to predict the effect of missense changes on protein structure and function outputs the following: PolyPhen-2: "Benign". The lysine amino acid residue is found in multiple mammalian species, which suggests that this missense change does not adversely affect protein function. In summary, the available evidence is currently insufficient to determine the role of this variant in disease. Therefore, it has been classified as a Variant of Uncertain Significance.

NM_020754.4(ARHGAP31):c.547G>A (p.Glu183Lys)

Gene: ARHGAP31 (Rho GTPase activating protein 31; plus strand). Cytogenetic location: 3q13.33.
Variant type: single nucleotide variant.
Coding change: c.547G>A on transcript NM_020754.4 (MANE Select); coding-DNA position 547, G replaced by A.
Protein change: p.Glu183Lys; replaces glutamic acid 183 with lysine.
Molecular consequence: missense variant.
Genome position (GRCh38, 1-based): chr3:119,383,091, G>A. VCF-style: chr3-119383091-G-A. GRCh37 (hg19) VCF-style: chr3-119101938-G-A.
Other names: short protein forms E183K.
Identifiers: ClinVar variation 4763505 (VCV004763505.1).